The following is an entry in ClinVar:

NM_001374385.1(ATP8B1):c.3695C>G (p.Ser1232Trp)

Genes: ATP8B1 (ATPase phospholipid transporting 8B1; minus strand), ATP8B1-AS1 (ATP8B1 antisense RNA 1; plus strand). Cytogenetic location: 18q21.31.
Variant type: single nucleotide variant.
Coding change: c.3695C>G on transcript NM_001374385.1 (MANE Select); coding-DNA position 3695, C replaced by G.
Protein change: p.Ser1232Trp; replaces serine 1232 with tryptophan.
Molecular consequence: missense variant.
Genome position (GRCh38, 1-based): chr18:57,648,549, G>C on the plus strand (C>G on the coding strand, the complement: ATP8B1 is on the minus strand). VCF-style: chr18-57648549-G-C. GRCh37 (hg19) VCF-style: chr18-55315781-G-C.
Other names: c.3545C>G, p.Ser1182Trp (NM_001374386.1); c.3695C>G, p.Ser1232Trp (NM_005603.6); short protein forms S1182W, S1232W.
Identifiers: ClinVar variation 3358660 (VCV003358660.1).

ClinVar aggregate classification (germline): Uncertain significance (0 of 4 stars; one submission).

Conditions:
ATP8B1-related disorder. Also called: ATP8B1-related condition; ATP8B1-related disorders.

gnomAD v4.1: 23 of 1,611,460 alleles (0.0014%); highest among the groups gnomAD compares: East Asian, 0.051%; no homozygotes.

Submission:

PreventionGenetics, part of Exact Sciences
Classification: Uncertain significance for ATP8B1-related condition. Last evaluated: 2024-07-29. Review status: no assertion criteria provided. Collection method: clinical testing. Allele origin: germline.
Comment: The ATP8B1 c.3695C>G variant is predicted to result in the amino acid substitution p.Ser1232Trp. To our knowledge, this variant has not been reported in the literature. This variant is reported in 0.027% of alleles in individuals of East Asian descent in gnomAD. At this time, the clinical significance of this variant is uncertain due to the absence of conclusive functional and genetic evidence.